The following is an entry in ClinVar:

ClinVar aggregate classification (germline): Pathogenic. Review status: reviewed by expert panel (3 of 4 stars). 4 submissions from 4 submitters: Pathogenic (1). 3 of the submissions do not count toward it. Last evaluated 2016-09-08.

Conditions:
Hereditary breast ovarian cancer syndrome. Also called: Hereditary breast and ovarian cancer syndrome; Hereditary breast and ovarian cancer; Hereditary breast and ovarian cancer syndrome (HBOC); Breast and ovarian cancer; Hereditary breast and/or ovarian cancer syndrome; BRCA1- and BRCA2-Associated Hereditary Breast and Ovarian Cancer. Identifiers: Orphanet 145, MedGen C0677776, MeSH D061325, MONDO:0003582. Disease mechanism: loss of function.
Hereditary cancer-predisposing syndrome. Also called: Neoplastic Syndromes, Hereditary; Tumor predisposition; Hereditary neoplastic syndrome; Hereditary Cancer Syndrome. Identifiers: Orphanet 140162, MedGen C0027672, MeSH D009386, MONDO:0015356.
Breast-ovarian cancer, familial, susceptibility to, 2 (BROVCA2). Also called: BRCA2 Hereditary Breast and Ovarian Cancer. Identifiers: Orphanet 145, MedGen C2675520, MONDO:0012933, OMIM 612555. Disease mechanism: loss of function.

Submissions (4):

Evidence-based Network for the Interpretation of Germline Mutant Alleles (ENIGMA)
Classification: Pathogenic for Breast-ovarian cancer, familial, susceptibility to, 2. Last evaluated: 2016-09-08. Review status: reviewed by expert panel. Criteria: ENIGMA BRCA1/2 Classification Criteria (2015). Collection method: curation. Allele origin: germline.
Comment: Variant allele predicted to encode a truncated non-functional protein.

Ambry Genetics
Classification: Pathogenic for Hereditary cancer-predisposing syndrome. Last evaluated: 2025-04-17. Review status: criteria provided, single submitter. Criteria: Ambry Variant Classification Scheme 2023. Collection method: clinical testing. Allele origin: germline. Not counted in ClinVar's aggregate classification.
Comment: The p.E2772* pathogenic mutation (also known as c.8314G>T) located in coding exon 17 of the BRCA2 gene, results from a G to T substitution at nucleotide position 8314. This changes the amino acid from a glutamic acid to a stop codon within coding exon 17. This mutation has been reported in multiple individuals diagnosed with early-onset breast cancer who also had a family history of breast and/or ovarian cancer (Seong MW et al. Clin. Genet. 2009 Aug;76(2):152-60; Pelttari LM et al. Clin. Genet. 2018 Mar;93(3):595-602). Two saturation genome editing-based studies, including a haploid cell-survival assay and a humanized mouse embryonic stem cell line assay of drug response and survival, demonstrate that this nucleotide substitution is non-functional(Huang H et al. Nature. 2025 Feb;638(8050):528-537; Sahu S et al. Nature. 2025 Feb;638(8050):538-545). In addition to the clinical data presented in the literature, this alteration is expected to result in loss of function by premature protein truncation or nonsense-mediated mRNA decay. As such, this alteration is interpreted as a disease-causing mutation.

Labcorp Genetics (formerly Invitae), Labcorp
Classification: Pathogenic for Hereditary breast ovarian cancer syndrome. Last evaluated: 2023-03-26. Review status: criteria provided, single submitter. Criteria: Invitae Variant Classification Sherloc (09022015). Collection method: clinical testing. Allele origin: germline. Not counted in ClinVar's aggregate classification.
Comment: This sequence change creates a premature translational stop signal (p.Glu2772*) in the BRCA2 gene. It is expected to result in an absent or disrupted protein product. Loss-of-function variants in BRCA2 are known to be pathogenic (PMID: 20104584). For these reasons, this variant has been classified as Pathogenic. ClinVar contains an entry for this variant (Variation ID: 52543). This premature translational stop signal has been observed in individual(s) with clinical features of BRCA2-related conditions (PMID: 19656164, 28802053, 29446198). This variant is not present in population databases (gnomAD no frequency).

Consortium of Investigators of Modifiers of BRCA1/2 (CIMBA), c/o University of Cambridge
Classification: Pathogenic for Breast-ovarian cancer, familial, susceptibility to, 2. Last evaluated: 2015-10-02. Review status: criteria provided, single submitter. Criteria: CIMBA Mutation Classification guidelines May 2016. Collection method: clinical testing. Allele origin: germline. Not counted in ClinVar's aggregate classification.

Literature cited by the submitters: PubMed 19656164 (cited by Ambry Genetics and Labcorp Genetics (formerly Invitae), Labcorp); PubMed 28802053 (cited by Ambry Genetics and Labcorp Genetics (formerly Invitae), Labcorp); PubMed 20104584 (cited by Labcorp Genetics (formerly Invitae), Labcorp); PubMed 29446198 (cited by Labcorp Genetics (formerly Invitae), Labcorp).

NM_000059.4(BRCA2):c.8314G>T (p.Glu2772Ter)

Gene: BRCA2 (BRCA2 DNA repair associated; plus strand). Cytogenetic location: 13q13.1.
Variant type: single nucleotide variant.
Coding change: c.8314G>T on transcript NM_000059.4 (MANE Select); coding-DNA position 8314, G replaced by T.
Protein change: p.Glu2772Ter; replaces glutamic acid 2772 with a stop codon.
Molecular consequence: nonsense.
Genome position (GRCh38, 1-based): chr13:32,363,516, G>T. VCF-style: chr13-32363516-G-T. GRCh37 (hg19) VCF-style: chr13-32937653-G-T.
Other names: short protein forms E2772*.
Identifiers: ClinVar variation 52543 (VCV000052543.17), dbSNP rs397507975, ClinGen allele CA025564.
Genomic context (GRCh38, chr13:32,363,516, plus strand): 5'-ATTCTTCATGGAGCAGAACTGGTGGGCTCTCCTGATGCCTGTACACCTCTTGAAGCCCCA[G>T]AATCTCTTATGTTAAAGGTAAATTAATTTGCACTCTTGGTAAAAATCAGTCATTGATTCA-3'